The following is an entry in ClinVar:

NM_032387.5(WNK4):c.1481C>G (p.Ala494Gly)

Gene: WNK4 (WNK lysine deficient protein kinase 4; plus strand). Cytogenetic location: 17q21.2.
Variant type: single nucleotide variant.
Coding change: c.1481C>G on transcript NM_032387.5 (MANE Select); coding-DNA position 1481, C replaced by G.
Protein change: p.Ala494Gly; replaces alanine 494 with glycine.
Molecular consequence: missense variant.
Genome position (GRCh38, 1-based): chr17:42,787,282, C>G. VCF-style: chr17-42787282-C-G. GRCh37 (hg19) VCF-style: chr17-40939300-C-G.
Other names: c.473C>G, p.Ala158Gly (NM_001321299.2); short protein forms A494G, A158G.
Identifiers: ClinVar variation 3002474 (VCV003002474.3), dbSNP rs746629627, ClinGen allele CA290784901.

ClinVar aggregate classification (germline): Uncertain significance (1 of 4 stars; one submission).

Submission:

Labcorp Genetics (formerly Invitae), Labcorp
Classification: Uncertain significance. Last evaluated: 2023-12-14. Review status: criteria provided, single submitter. Criteria: Invitae Variant Classification Sherloc (09022015). Collection method: clinical testing. Allele origin: germline.
Comment: This sequence change replaces alanine, which is neutral and non-polar, with glycine, which is neutral and non-polar, at codon 494 of the WNK4 protein (p.Ala494Gly). This variant is not present in population databases (gnomAD no frequency). This variant has not been reported in the literature in individuals affected with WNK4-related conditions. Advanced modeling of protein sequence and biophysical properties (such as structural, functional, and spatial information, amino acid conservation, physicochemical variation, residue mobility, and thermodynamic stability) performed at Invitae indicates that this missense variant is not expected to disrupt WNK4 protein function with a negative predictive value of 95%. In summary, the available evidence is currently insufficient to determine the role of this variant in disease. Therefore, it has been classified as a Variant of Uncertain Significance.